The following is an entry in ClinVar:

NM_182643.3(DLC1):c.2168G>A (p.Arg723His)

Gene: DLC1 (DLC1 Rho GTPase activating protein; minus strand). Cytogenetic location: 8p22.
Variant type: single nucleotide variant.
Coding change: c.2168G>A on transcript NM_182643.3 (MANE Select); coding-DNA position 2168, G replaced by A.
Protein change: p.Arg723His; replaces arginine 723 with histidine.
Molecular consequence: missense variant.
Genome position (GRCh38, 1-based): chr8:13,100,169, C>T on the plus strand (G>A on the coding strand, the complement: DLC1 is on the minus strand). VCF-style: chr8-13100169-C-T. GRCh37 (hg19) VCF-style: chr8-12957678-C-T.
Other names: c.635G>A, p.Arg212His (NM_001164271.2, NM_001348082.2, NM_001348083.1 and 6 more transcripts); c.959G>A, p.Arg320His (NM_001316668.2, NM_001413129.1); c.2168G>A, p.Arg723His (NM_001348081.2, NM_001413124.1); c.950G>A, p.Arg317His (NM_001413130.1); c.608G>A, p.Arg203His (NM_001413131.1, NM_001413137.1); c.1094G>A, p.Arg365His (NM_001413132.1); c.857G>A, p.Arg286His (NM_001413135.1, NM_001413136.1, NM_001413139.1 and 1 more transcripts); c.992G>A, p.Arg331His (NM_001413140.1); short protein forms R203H, R212H, R286H, R723H, R365H, R317H, R320H, R331H.
Identifiers: ClinVar variation 2911165 (VCV002911165.3), dbSNP rs142691117, ClinGen allele CA4638698.

ClinVar aggregate classification (germline): Uncertain significance (1 of 4 stars; one submission).

Allele frequency attached by ClinVar (database versions not stated): gnomAD 0.00034; ESP Exome Variant Server 0.00069; 1000 Genomes Project 30x 0.00031; 1000 Genomes Project 0.00040; TOPMed 0.00040.
gnomAD v4.1: 829 of 1,613,336 alleles (0.051%); highest among the groups gnomAD compares: Non-Finnish European, 0.062%; no homozygotes.

Submission:

Labcorp Genetics (formerly Invitae), Labcorp
Classification: Uncertain significance. Last evaluated: 2025-09-07. Review status: criteria provided, single submitter. Criteria: Invitae Variant Classification Sherloc (09022015). Collection method: clinical testing. Allele origin: germline.
Comment: This sequence change replaces arginine, which is basic and polar, with histidine, which is basic and polar, at codon 723 of the DLC1 protein (p.Arg723His). This variant is present in population databases (rs142691117, gnomAD 0.03%). This variant has not been reported in the literature in individuals affected with DLC1-related conditions. ClinVar contains an entry for this variant (Variation ID: 2911165). An algorithm developed to predict the effect of missense changes on protein structure and function outputs the following: PolyPhen-2: "Benign". The histidine amino acid residue is found in multiple mammalian species, which suggests that this missense change does not adversely affect protein function. In summary, the available evidence is currently insufficient to determine the role of this variant in disease. Therefore, it has been classified as a Variant of Uncertain Significance.